The following is an entry in ClinVar:

ClinVar aggregate classification (germline): Pathogenic (1 of 4 stars; one submission).

Submission:

Labcorp Genetics (formerly Invitae), Labcorp
Classification: Pathogenic. Last evaluated: 2023-05-16. Review status: criteria provided, single submitter. Criteria: Invitae Variant Classification Sherloc (09022015). Collection method: clinical testing. Allele origin: unknown.
Comment: For these reasons, this variant has been classified as Pathogenic. This variant has not been reported in the literature in individuals affected with ABCB4-related conditions. A gross deletion of the genomic region encompassing the full coding sequence of the ABCB4 gene has been identified. Loss-of-function variants in ABCB4 are known to be pathogenic (PMID: 17726488, 25755532). The boundaries of this event are unknown as they extend beyond the assayed region for this gene and therefore may encompass additional genes.

Literature cited by the submitters: PubMed 17726488; PubMed 25755532.

NC_000007.13:g.(?_87031412)_(87104781_?)del

Gene: ABCB4 (ATP binding cassette subfamily B member 4; minus strand). Cytogenetic location: 7q21.12.
Variant type: Deletion.
Identifiers: ClinVar variation 3245853 (VCV003245853.1).